The following is an entry in ClinVar:

NM_000257.4(MYH7):c.2149G>A (p.Asp717Asn)

Gene: MYH7 (myosin heavy chain 7; minus strand). Cytogenetic location: 14q11.2.
Variant type: single nucleotide variant.
Coding change: c.2149G>A on transcript NM_000257.4 (MANE Select); coding-DNA position 2149, G replaced by A.
Protein change: p.Asp717Asn; replaces aspartic acid 717 with asparagine.
Molecular consequence: missense variant.
Genome position (GRCh38, 1-based): chr14:23,425,977, C>T on the plus strand (G>A on the coding strand, the complement: MYH7 is on the minus strand). VCF-style: chr14-23425977-C-T. GRCh37 (hg19) VCF-style: chr14-23895186-C-T.
Other names: c.2149G>A (LRG_384t1); short protein forms D717N.
Identifiers: ClinVar variation 393254 (VCV000393254.20), dbSNP rs1057524857, ClinGen allele CA16606822.

ClinVar aggregate classification (germline): Conflicting classifications of pathogenicity. Review status: criteria provided, conflicting classifications (1 of 4 stars). 5 submissions from 5 submitters: Likely pathogenic (3); Uncertain significance (2). Last evaluated 2026-09-11.

Conditions:
Hypertrophic cardiomyopathy. Also called: HYPERTROPHIC MYOCARDIOPATHY. Identifiers: Orphanet 217569, MedGen C0007194, MeSH D002312, MONDO:0005045, HP:0001639.
Cardiovascular phenotype. Identifiers: MedGen CN230736.

Submissions (5):

Ambry Genetics
Classification: Uncertain significance for Cardiovascular phenotype. Last evaluated: 2026-09-11. Review status: criteria provided, single submitter. Criteria: Ambry Variant Classification Scheme 2023. Collection method: clinical testing. Allele origin: germline.
Comment: The p.D717N variant (also known as c.2149G>A), located in coding exon 17 of the MYH7 gene, results from a G to A substitution at nucleotide position 2149. The aspartic acid at codon 717 is replaced by asparagine, an amino acid with highly similar properties. This variant is located in the myosin head domain, which contains a statistically significant clustering of pathogenic missense variants (Homburger JR et al. Proc Natl Acad Sci U S A, 2016 06;113:6701-6; Walsh R et al. Genet Med, 2017 02;19:192-203; Ambry internal data). This variant was reported in individual(s) with features consistent with hypertrophic cardiomyopathy (HCM) (McGurk KA et al. Am J Hum Genet, 2023 Sep;110:1482-1495; Hag&egrave;ge A et al. Int J Cardiol, 2024 Dec;417:132542; Ambry internal data). This amino acid position is highly conserved in available vertebrate species. In addition, the in silico prediction for this alteration is inconclusive. Based on the available evidence, the clinical significance of this variant remains unclear.

CeGaT Center for Human Genetics Tuebingen
Classification: Likely pathogenic. Last evaluated: 2026-02-01. Review status: criteria provided, single submitter. Criteria: CeGaT Center For Human Genetics Tuebingen Variant Classification Criteria Version 2. Collection method: clinical testing. Allele origin: germline. Affected: yes. Observed: 3 variant alleles.
Comment: MYH7: PM1, PM2, PM5, PS4:Supporting

Labcorp Genetics (formerly Invitae), Labcorp
Classification: Likely pathogenic for Hypertrophic cardiomyopathy. Last evaluated: 2025-06-20. Review status: criteria provided, single submitter. Criteria: Invitae Variant Classification Sherloc (09022015). Collection method: clinical testing. Allele origin: germline.
Comment: This sequence change replaces aspartic acid, which is acidic and polar, with asparagine, which is neutral and polar, at codon 717 of the MYH7 protein (p.Asp717Asn). This variant is not present in population databases (gnomAD no frequency). This missense change has been observed in individual(s) with hypertrophic cardiomyopathy (PMID: 37652022; internal data). ClinVar contains an entry for this variant (Variation ID: 393254). Invitae Evidence Modeling of protein sequence and biophysical properties (such as structural, functional, and spatial information, amino acid conservation, physicochemical variation, residue mobility, and thermodynamic stability) indicates that this missense variant is expected to disrupt MYH7 protein function with a positive predictive value of 95%. This variant disrupts the p.Asp717 amino acid residue in MYH7. Other variant(s) that disrupt this residue have been determined to be pathogenic (PMID: 25558701, 25935763). This suggests that this residue is clinically significant, and that variants that disrupt this residue are likely to be disease-causing. In summary, the currently available evidence indicates that the variant is pathogenic, but additional data are needed to prove that conclusively. Therefore, this variant has been classified as Likely Pathogenic.

All of Us Research Program, National Institutes of Health
Classification: Uncertain significance for Hypertrophic cardiomyopathy. Last evaluated: 2023-06-15. Review status: criteria provided, single submitter. Criteria: ACMG Guidelines, 2015. Collection method: clinical testing. Allele origin: germline. Inheritance: Autosomal dominant inheritance. Observed: 1 variant allele, 1 heterozygote.
Comment: This variant is located in a well-established functional domain of the protein where other pathogenic or likely pathogenic variants have been described. (PMID: 27247418). This variant is absent from or rare in large population databases, including the Genome Aggregation Database. Other missense substitutions at this amino acid residue have been previously reported in individuals with hypertrophic cardiomyopathy and classified as pathogenic, which supports the functional importance of this position. (PMID: 25935763). This variant is predicted to be deleterious by in silico analysis.

This study involves interpretation of variants in research participants for the purpose of population health screening. Participant phenotype was not available at the time of variant classification. Additional details can be found in publication PMID: 35346344, PMCID: PMC8962531

GeneDx
Classification: Likely pathogenic. Last evaluated: 2017-02-08. Review status: criteria provided, single submitter. Criteria: GeneDx Variant Classification (06012015). Collection method: clinical testing. Allele origin: germline. Affected: yes.
Comment: The D717N variant has not been published as pathogenic or been reported as benign to our knowledge. This variant is not observed in large population cohorts (Lek et al., 2016; 1000 Genomes Consortium et al., 2015; Exome Variant Server). The D717N variant is a semi-conservative amino acid substitution, which may impact secondary protein structure as these residues differ in some properties. This substitution occurs at a position that is conserved across species. In silico analysis predicts this variant is probably damaging to the protein structure/function. Missense variants in nearby residues (G716R, R719Q, R719QW, R719P) have been reported in the Human Gene Mutation Database in association with cardiomyopathy (Stenson et al., 2014), supporting the functional importance of this region of the protein. However, this variant lacks observation in a significant number of affected individuals, segregation data, and functional evidence, which would further clarify its pathogenicity.

Literature cited by the submitters: PubMed 37652022 (cited by Ambry Genetics and Labcorp Genetics (formerly Invitae), Labcorp); PubMed 39260623 (cited by Ambry Genetics); PubMed 25558701 (cited by Labcorp Genetics (formerly Invitae), Labcorp); PubMed 25935763 (cited by Labcorp Genetics (formerly Invitae), Labcorp and All of Us Research Program, National Institutes of Health); PubMed 27247418 (cited by All of Us Research Program, National Institutes of Health).